The following is an entry in ClinVar:

ClinVar aggregate classification (germline): Uncertain significance (1 of 4 stars; one submission).

Allele frequency attached by ClinVar (database versions not stated): TOPMed below 0.00001.

Submission:

Illumina Laboratory Services, Illumina
Classification: Uncertain significance. Last evaluated: 2022-10-05. Review status: criteria provided, single submitter. Criteria: ICSL CNVClassificationCriteria Aug2020. Collection method: clinical testing. Allele origin: unknown. Affected: yes.
Comment: The ZMIZ1 c.1861A>C (p.Asn621His) missense variant results in the substitution of asparagine at amino acid position 621 with histidine. To our knowledge, this variant has not been reported in the peer-reviewed literature. This variant is not found in version 2.1.1 or version 3.1.2 of the Genome Aggregation Database. Based on the available evidence, the c.1861A>C (p.Asn621His) variant is classified as a variant of uncertain significance for neurodevelopmental disorder with dysmorphic facies and distal skeletal anomalies.

NM_020338.4(ZMIZ1):c.1861A>C (p.Asn621His)

Gene: ZMIZ1 (zinc finger MIZ-type containing 1; plus strand). Cytogenetic location: 10q22.3.
Variant type: single nucleotide variant.
Coding change: c.1861A>C on transcript NM_020338.4 (MANE Select); coding-DNA position 1861, A replaced by C.
Protein change: p.Asn621His; replaces asparagine 621 with histidine.
Molecular consequence: missense variant.
Genome position (GRCh38, 1-based): chr10:79,300,784, A>C. VCF-style: chr10-79300784-A-C. GRCh37 (hg19) VCF-style: chr10-81060541-A-C.
Other names: short protein forms N621H.
Identifiers: ClinVar variation 2429404 (VCV002429404.3), dbSNP rs1024820989, ClinGen allele CA210218037.